The following is an entry in ClinVar:

ClinVar aggregate classification (germline): Uncertain significance. Review status: criteria provided, multiple submitters, no conflicts (2 of 4 stars). 2 submissions from 2 submitters: Uncertain significance (2). Last evaluated 2025-08-29.

Conditions:
Inborn genetic diseases. Identifiers: MedGen C0950123, MeSH D030342.
Nemaline myopathy 10 (NEM10). Identifiers: MedGen C4015360, MONDO:0014513, OMIM 616165.

Allele frequency attached by ClinVar (database versions not stated): gnomAD 0.00001; gnomAD exomes 0.00001 and 0.00002; ExAC 0.00002; TOPMed 0.00003.

Submissions (2):

Ambry Genetics
Classification: Uncertain significance for Inborn genetic diseases. Last evaluated: 2025-08-29. Review status: criteria provided, single submitter. Criteria: Ambry Variant Classification Scheme 2023. Collection method: clinical testing. Allele origin: germline.

Labcorp Genetics (formerly Invitae), Labcorp
Classification: Uncertain significance for Nemaline myopathy 10. Last evaluated: 2025-03-31. Review status: criteria provided, single submitter. Criteria: Invitae Variant Classification Sherloc (09022015). Collection method: clinical testing. Allele origin: germline.
Comment: This sequence change replaces methionine, which is neutral and non-polar, with valine, which is neutral and non-polar, at codon 278 of the LMOD3 protein (p.Met278Val). This variant is present in population databases (rs755520605, gnomAD 0.01%). This variant has not been reported in the literature in individuals affected with LMOD3-related conditions. ClinVar contains an entry for this variant (Variation ID: 1522298). An algorithm developed to predict the effect of missense changes on protein structure and function (PolyPhen-2) suggests that this variant is likely to be disruptive. In summary, the available evidence is currently insufficient to determine the role of this variant in disease. Therefore, it has been classified as a Variant of Uncertain Significance.

NM_198271.5(LMOD3):c.832A>G (p.Met278Val)

Gene: LMOD3 (leiomodin 3; minus strand). Cytogenetic location: 3p14.1.
Variant type: single nucleotide variant.
Coding change: c.832A>G on transcript NM_198271.5 (MANE Select); coding-DNA position 832, A replaced by G.
Protein change: p.Met278Val; replaces methionine 278 with valine.
Molecular consequence: missense variant.
Genome position (GRCh38, 1-based): chr3:69,119,523, T>C on the plus strand (A>G on the coding strand, the complement: LMOD3 is on the minus strand). VCF-style: chr3-69119523-T-C. GRCh37 (hg19) VCF-style: chr3-69168674-T-C.
Other names: c.832A>G (NM_198271.3); c.832A>G, p.Met278Val (NM_001304418.3); short protein forms M278V.
Identifiers: ClinVar variation 1522298 (VCV001522298.9), dbSNP rs755520605, ClinGen allele CA2488911.
Genomic context (GRCh38, chr3:69,119,523, plus strand): 5'-CATTCTCATCTGCACCCACATTGGCTAAACTGAATGTTTTGATGTGCTTGTTTTTCTTCA[T>C]TGCATTGACAAAGTCCAGTAACATTTCTTTGGGGATGTTTTCAATGTTGTTCAGGTTGAG-3'
Protein context (NP_938012.2, residues 268-288): KEMLLDFVNA[Met278Val]KKNKHIKTFS